The following is an entry in ClinVar:

ClinVar aggregate classification (germline): Likely benign (0 of 4 stars; one submission).

Conditions:
SLC34A2-related disorder. Also called: SLC34A2-related condition.

Submission:

PreventionGenetics, part of Exact Sciences
Classification: Likely benign for SLC34A2-related condition. Last evaluated: 2019-03-12. Review status: no assertion criteria provided. Collection method: clinical testing. Allele origin: germline.
Comment: This variant is classified as likely benign based on ACMG/AMP sequence variant interpretation guidelines (Richards et al. 2015 PMID: 25741868, with internal and published modifications).

NM_006424.3(SLC34A2):c.198G>C (p.Val66=)

Gene: SLC34A2 (solute carrier family 34 member 2; plus strand). Cytogenetic location: 4p15.2.
Variant type: single nucleotide variant.
Coding change: c.198G>C on transcript NM_006424.3 (MANE Select); coding-DNA position 198, G replaced by C.
Protein change: p.Val66=; no amino-acid change (valine 66 retained).
Molecular consequence: synonymous variant.
Genome position (GRCh38, 1-based): chr4:25,662,790, G>C. VCF-style: chr4-25662790-G-C. GRCh37 (hg19) VCF-style: chr4-25664412-G-C.
Other names: c.195G>C, p.Val65= (NM_001177998.2, NM_001177999.2).
Identifiers: ClinVar variation 3047513 (VCV003047513.2), dbSNP rs2474755926, ClinGen allele CA438743790.